The following is an entry in ClinVar:

NM_015335.5(MED13L):c.3487G>A (p.Gly1163Arg)

Gene: MED13L (mediator complex subunit 13L; minus strand). Cytogenetic location: 12q24.21.
Variant type: single nucleotide variant.
Coding change: c.3487G>A on transcript NM_015335.5 (MANE Select); coding-DNA position 3487, G replaced by A.
Protein change: p.Gly1163Arg; replaces glycine 1163 with arginine.
Molecular consequence: missense variant.
Genome position (GRCh38, 1-based): chr12:115,991,467, C>T on the plus strand (G>A on the coding strand, the complement: MED13L is on the minus strand). VCF-style: chr12-115991467-C-T. GRCh37 (hg19) VCF-style: chr12-116429272-C-T.
Other names: c.3487G>A (NM_015335.4); short protein forms G1163R.
Identifiers: ClinVar variation 3777144 (VCV003777144.1).

ClinVar aggregate classification (germline): Likely pathogenic (1 of 4 stars; one submission).

Conditions:
Cardiac anomalies - developmental delay - facial dysmorphism syndrome (MRFACD). Also called: Impaired intellectual development and distinctive facial features with or without cardiac defects; MED13L Syndrome. Identifiers: Orphanet 369891, MedGen C5192431, MONDO:0014773, OMIM 616789.

Submission:

University of Washington Department of Laboratory Medicine, University of Washington
Classification: Likely pathogenic for Cardiac anomalies - developmental delay - facial dysmorphism syndrome. Last evaluated: 2021-04-28. Review status: criteria provided, single submitter. Criteria: ACMG Guidelines, 2015. Collection method: clinical testing. Allele origin: de novo. Affected: yes.
Comment: The variant was absent from large population databases, including the Genome Aggregation Database and is located within exon 17, where missense variants have been reported to cluster (Smol 2018, Tørring 2019). In silico tools predict that the p.Gly1163Arg variant is deleterious; however, these predictions have not been tested directly. Using ACMG guidelines, this variant was classified as likely pathogenic for autosomal dominant MED13L-related neurodevelopmental disorder (ACMG evidence codes used: PS2, PM1_supporting, PM2_supporting, PP3).